The following is an entry in ClinVar:

ClinVar aggregate classification (germline): Likely benign. Review status: criteria provided, multiple submitters, no conflicts (2 of 4 stars). 3 submissions from 3 submitters: Likely benign (3). Last evaluated 2026-08-20.

Conditions:
CACNA1F-related disorder. Also called: CACNA1F-related condition.

Allele frequency attached by ClinVar (database versions not stated): TOPMed 0.00003; gnomAD 0.00004; ExAC 0.00005; gnomAD exomes 0.00005.
gnomAD v4.1: 58 of 1,207,494 alleles (0.0048%); highest among the groups gnomAD compares: Non-Finnish European, 0.0058%; no homozygotes.

Submissions (3):

PreventionGenetics, part of Exact Sciences
Classification: Likely benign for CACNA1F-related condition. Last evaluated: 2026-08-20. Review status: criteria provided, single submitter. Criteria: ACMG Guidelines, 2015. Collection method: clinical testing. Allele origin: germline.
Comment: This variant is classified as likely benign based on ACMG/AMP sequence variant interpretation guidelines (Richards et al. 2015 PMID: 25741868, with internal and published modifications).

Labcorp Genetics (formerly Invitae), Labcorp
Classification: Likely benign. Last evaluated: 2026-01-21. Review status: criteria provided, single submitter. Criteria: Invitae Variant Classification Sherloc (09022015). Collection method: clinical testing. Allele origin: germline.

Blueprint Genetics
Classification: Likely benign. Last evaluated: 2024-10-30. Review status: criteria provided, single submitter. Criteria: ACMG Guidelines, 2015. Collection method: clinical testing. Allele origin: germline.

NM_001256789.3(CACNA1F):c.3372C>T (p.Phe1124=)

Gene: CACNA1F (calcium voltage-gated channel subunit alpha1 F; minus strand). Cytogenetic location: Xp11.23.
Variant type: single nucleotide variant.
Coding change: c.3372C>T on transcript NM_001256789.3 (MANE Select); coding-DNA position 3372, C replaced by T.
Protein change: p.Phe1124=; no amino-acid change (phenylalanine 1124 retained).
Molecular consequence: synonymous variant.
Genome position (GRCh38, 1-based): chrX:49,215,408, G>A on the plus strand (C>T on the coding strand, the complement: CACNA1F is on the minus strand). VCF-style: chrX-49215408-G-A. GRCh37 (hg19) VCF-style: chrX-49071868-G-A.
Other names: c.3405C>T (NM_005183.3); c.3210C>T, p.Phe1070= (NM_001256790.3); c.3405C>T, p.Phe1135= (NM_005183.4).
Identifiers: ClinVar variation 1127038 (VCV001127038.11), dbSNP rs782728123, ClinGen allele CA10410469.